The following is an entry in ClinVar:

NM_001999.4(FBN2):c.5574T>C (p.Asp1858=)

Gene: FBN2 (fibrillin 2; minus strand). Cytogenetic location: 5q23.3.
Variant type: single nucleotide variant.
Coding change: c.5574T>C on transcript NM_001999.4 (MANE Select); coding-DNA position 5574, T replaced by C.
Protein change: p.Asp1858=; no amino-acid change (aspartic acid 1858 retained).
Molecular consequence: synonymous variant.
Genome position (GRCh38, 1-based): chr5:128,305,611, A>G on the plus strand (T>C on the coding strand, the complement: FBN2 is on the minus strand). VCF-style: chr5-128305611-A-G. GRCh37 (hg19) VCF-style: chr5-127641303-A-G.
Other names: c.5574T>C (NM_001999.3).
Identifiers: ClinVar variation 1142554 (VCV001142554.12), dbSNP rs757483263, ClinGen allele CA3394662.
Genomic context (GRCh38, chr5:128,305,611, plus strand): 5'-ACATTCACAGCGGTAACTACCAGGACTATTGATGCAGTCTGCATTCCGCTGGCAGAGATT[A>G]TCACCATTGCTGCACTCATCTATATCTGAAAGAGCAACAATTCCATTTTAAAGAGTCCTT-3'
Protein context (NP_001990.2, residues 1848-1868): CEDIDECSNG[Asp1858=]NLCQRNADCI

ClinVar aggregate classification (germline): Likely benign. Review status: criteria provided, multiple submitters, no conflicts (2 of 4 stars). 3 submissions from 3 submitters: Likely benign (2). 1 of the submissions does not count toward it. Last evaluated 2026-01-13.

Conditions:
Familial thoracic aortic aneurysm and aortic dissection (TAAD). Also called: Thoracic aortic aneurysms and dissections. Identifiers: Orphanet 91387, MedGen C4707243, MONDO:0019625.
FBN2-related disorder. Also called: FBN2-related condition.
Congenital contractural arachnodactyly (CCA). Also called: Arthrogryposis, distal, type 9; Beals-Hecht syndrome; BEALS SYNDROME. Identifiers: Orphanet 115, MedGen C0220668, MONDO:0007363, OMIM 121050.

Allele frequency attached by ClinVar (database versions not stated): gnomAD 0.00002; TOPMed 0.00002; gnomAD exomes 0.00003 and 0.00005; ExAC 0.00004.
gnomAD v4.1: 69 of 1,613,908 alleles (0.0043%); highest among the groups gnomAD compares: Non-Finnish European, 0.0055%; no homozygotes.

Submissions (3):

Labcorp Genetics (formerly Invitae), Labcorp
Classification: Likely benign for Congenital contractural arachnodactyly. Last evaluated: 2026-01-13. Review status: criteria provided, single submitter. Criteria: Invitae Variant Classification Sherloc (09022015). Collection method: clinical testing. Allele origin: germline.

Ambry Genetics
Classification: Likely benign for Familial thoracic aortic aneurysm and aortic dissection. Last evaluated: 2023-06-12. Review status: criteria provided, single submitter. Criteria: Ambry Variant Classification Scheme 2023. Collection method: clinical testing. Allele origin: germline.

PreventionGenetics, part of Exact Sciences
Classification: Likely benign for FBN2-related condition. Last evaluated: 2019-09-05. Review status: no assertion criteria provided. Collection method: clinical testing. Allele origin: germline. Not counted in ClinVar's aggregate classification.
Comment: This variant is classified as likely benign based on ACMG/AMP sequence variant interpretation guidelines (Richards et al. 2015 PMID: 25741868, with internal and published modifications).